The following is an entry in ClinVar:

NM_001130987.2(DYSF):c.460+1G>A

Gene: DYSF (dysferlin; plus strand). Cytogenetic location: 2p13.2.
Variant type: single nucleotide variant.
Coding change: c.460+1G>A on transcript NM_001130987.2 (MANE Select); the canonical splice donor site of the intron after coding-DNA position 460, G replaced by A.
Molecular consequence: splice donor variant.
Genome position (GRCh38, 1-based): chr2:71,511,922, G>A. VCF-style: chr2-71511922-G-A. GRCh37 (hg19) VCF-style: chr2-71739052-G-A.
Other names: c.457+1G>A (NM_001130979.2, NM_001130981.2, NM_001130980.2 and 4 more transcripts); c.460+1G>A (NM_001130982.2, NM_001130985.2, NM_001130983.2 and 3 more transcripts).
Identifiers: ClinVar variation 550404 (VCV000550404.16), dbSNP rs1278864604, ClinGen allele CA347205592.
Genomic context (GRCh38, chr2:71,511,922, plus strand): 5'-TCCCGCCCCCTACTCCTCTGGAGCCCTCCCCGACTCTGCCTGACCTGGATGTAGTGGCAG[G>A]TGGGTAGCCCACGTTGGCCTGGCTGGGCCCCAGCAAGAAGGCCGGCAGTGGCACTTGAGC-3'

ClinVar aggregate classification (germline): Pathogenic/Likely pathogenic. Review status: criteria provided, multiple submitters, no conflicts (2 of 4 stars). 6 submissions from 6 submitters: Pathogenic (3); Likely pathogenic (2). 1 of the submissions does not count toward it. Last evaluated 2026-05-12.

Conditions:
Autosomal recessive limb-girdle muscular dystrophy type 2B (LGMDR2). Also called: MUSCULAR DYSTROPHY, LIMB-GIRDLE, AUTOSOMAL RECESSIVE 2; Limb-girdle muscular dystrophy, type 2B; Limb-Girdle Muscular Dystrophy Type 2B (LGMD2B); MUSCULAR DYSTROPHY, LIMB-GIRDLE, TYPE 3. Identifiers: Orphanet 268, MedGen C1850889, MONDO:0009676, OMIM 253601.
Neuromuscular disease caused by qualitative or quantitative defects of dysferlin. Also called: Qualitative or quantitative defects of dysferlin; Dysferlinopathy. Identifiers: Orphanet 207073, MedGen C2931687, MONDO:0016145.
Autosomal recessive limb-girdle muscular dystrophy. Identifiers: Orphanet 102015, MedGen C2931907, MONDO:0015152.
Distal myopathy with anterior tibial onset. Identifiers: Orphanet 178400, MedGen C1847532, MONDO:0011721, OMIM 606768.
Miyoshi muscular dystrophy 1 (MMD1). Identifiers: Orphanet 45448, MedGen C4551973, MONDO:0024545, OMIM 254130.

Allele frequency attached by ClinVar (database versions not stated): gnomAD exomes below 0.00001 and 0.00001; gnomAD 0.00001; TOPMed 0.00002.
gnomAD v4.1: 3 of 1,541,508 alleles (0.00019%); highest among the groups gnomAD compares: Middle Eastern, 0.018%; no homozygotes.

Submissions (6):

Myriad Genetics, Inc.
Classification: Pathogenic for Autosomal recessive limb-girdle muscular dystrophy. Last evaluated: 2026-05-12. Review status: criteria provided, single submitter. Criteria: Myriad Autosomal Dominant, Autosomal Recessive and X-Linked Classification Criteria (2023). Collection method: clinical testing. Allele origin: unknown.
Comment: NM_003494.3(DYSF):c.457+1G>A is a variant in a canonical splice site classified as pathogenic in the context of dysferlinopathy. c.457+1G>A has been observed in cases with relevant disease (PMID: 36580222). Relevant functional assessments of this variant are not available in the literature. c.457+1G>A has been observed in referenced population frequency databases. In summary, NM_003494.3(DYSF):c.457+1G>A is a variant in a canonical splice site in a gene where loss of function is a known mechanism of disease, is predicted to disrupt protein function, and has been observed more frequently in cases with the relevant disease than in healthy populations. Please note: this variant was assessed in the context of healthy population screening.

Natera, Inc.
Classification: Pathogenic for Limb-girdle muscular dystrophy type 2B. Last evaluated: 2025-12-31. Review status: criteria provided, single submitter. Criteria: Natera Variant Classification Schema (03/2026). Collection method: clinical testing. Allele origin: germline.
Comment: The c.457+1G>A variant in DYSF is a canonical splice donor site variant predicted to affect pre-mRNA splicing, which may result in an abnormal transcript and altered protein product. This variant is expected to result in nonsense mediated decay, truncation, or a dysfunctional protein product. This variant is rare in the general population with a frequency below the threshold expected for the associated phenotype(s). This variant has been observed in one or more individuals affected with the associated recessive disease, as either homozygous or compound heterozygous with a second variant (PMID: 36580222). Given the available evidence, this variant is classified as Pathogenic.

Fulgent Genetics
Classification: Likely pathogenic for Autosomal recessive limb-girdle muscular dystrophy type 2B; Miyoshi muscular dystrophy 1; Distal myopathy with anterior tibial onset. Last evaluated: 2024-03-01. Review status: criteria provided, single submitter. Criteria: ACMG Guidelines, 2015. Collection method: clinical testing. Allele origin: germline.

Labcorp Genetics (formerly Invitae), Labcorp
Classification: Pathogenic for Neuromuscular disease caused by qualitative or quantitative defects of dysferlin. Last evaluated: 2023-11-27. Review status: criteria provided, single submitter. Criteria: Invitae Variant Classification Sherloc (09022015). Collection method: clinical testing. Allele origin: germline.
Comment: This sequence change affects a donor splice site in intron 5 of the DYSF gene. It is expected to disrupt RNA splicing. Variants that disrupt the donor or acceptor splice site typically lead to a loss of protein function (PMID: 16199547), and loss-of-function variants in DYSF are known to be pathogenic (PMID: 17698709, 20301480). The frequency data for this variant in the population databases is considered unreliable, as metrics indicate poor data quality at this position in the gnomAD database. Disruption of this splice site has been observed in individuals with DYSF-related conditions (PMID: 36580222). This variant is also known as c.460+1G>A. ClinVar contains an entry for this variant (Variation ID: 550404). Algorithms developed to predict the effect of sequence changes on RNA splicing suggest that this variant may disrupt the consensus splice site. For these reasons, this variant has been classified as Pathogenic.

Neuberg Centre For Genomic Medicine, NCGM
Classification: Likely pathogenic for Autosomal recessive limb-girdle muscular dystrophy type 2B. Review status: criteria provided, single submitter. Criteria: ACMG Guidelines, 2015. Collection method: clinical testing. Allele origin: germline. Inheritance: Autosomal recessive inheritance. Affected: yes.

Counsyl
Classification: Likely pathogenic for Autosomal recessive limb-girdle muscular dystrophy type 2B. Last evaluated: 2017-01-24. Review status: no assertion criteria provided. Collection method: clinical testing. Allele origin: unknown. Not counted in ClinVar's aggregate classification.

Literature cited by the submitters: PubMed 36580222 (cited by 3 submitters); PubMed 16199547 (cited by Labcorp Genetics (formerly Invitae), Labcorp); PubMed 17698709 (cited by Labcorp Genetics (formerly Invitae), Labcorp); PubMed 20301480 (cited by Labcorp Genetics (formerly Invitae), Labcorp).